The following is an entry in ClinVar:

NM_002519.3(NPAT):c.3317C>A (p.Thr1106Asn)

Gene: NPAT (nuclear protein, coactivator of histone transcription; minus strand). Cytogenetic location: 11q22.3.
Variant type: single nucleotide variant.
Coding change: c.3317C>A on transcript NM_002519.3 (MANE Select); coding-DNA position 3317, C replaced by A.
Protein change: p.Thr1106Asn; replaces threonine 1106 with asparagine.
Molecular consequence: missense variant.
Genome position (GRCh38, 1-based): chr11:108,161,769, G>T on the plus strand (C>A on the coding strand, the complement: NPAT is on the minus strand). VCF-style: chr11-108161769-G-T. GRCh37 (hg19) VCF-style: chr11-108032496-G-T.
Other names: c.3338C>A, p.Thr1113Asn (NM_001321307.1); short protein forms T1106N, T1113N.
Identifiers: ClinVar variation 1730145 (VCV001730145.2), dbSNP rs2496696509, ClinGen allele CA382511074.

ClinVar aggregate classification (germline): Uncertain significance (1 of 4 stars; one submission).

Submission:

Ambry Genetics
Classification: Uncertain significance. Last evaluated: 2021-11-07. Review status: criteria provided, single submitter. Criteria: Ambry Variant Classification Scheme 2023. Collection method: clinical testing. Allele origin: germline.
Comment: The p.T1106N variant (also known as c.3317C>A), located in coding exon 17 of the NPAT gene, results from a C to A substitution at nucleotide position 3317. The threonine at codon 1106 is replaced by asparagine, an amino acid with similar properties. This amino acid position is conserved. In addition, this alteration is predicted to be tolerated by in silico analysis. Since supporting evidence is limited at this time, the clinical significance of this alteration remains unclear.